The following is an entry in ClinVar:

NM_000053.4(ATP7B):c.3358_3359dup (p.Leu1120fs)

Gene: ATP7B (ATPase copper transporting beta; minus strand). Cytogenetic location: 13q14.3.
Variant type: Duplication.
Coding change: c.3358_3359dup on transcript NM_000053.4 (MANE Select); coding-DNA positions 3358 to 3359, 2 bases duplicated (TT; older notation c.3358_3359dupTT).
Protein change: p.Leu1120fs; shifts the reading frame from leucine 1120.
Molecular consequence: frameshift variant.
Genome position (GRCh38, 1-based): chr13:51,942,439-51,942,440, AA duplicated on the plus strand (TT on the coding strand, the reverse complement: ATP7B is on the minus strand); duplicating any 2 consecutive bases within chr13:51,942,439-51,942,441 gives the same sequence; the c. name uses the placement nearest the transcript's 3' end. VCF-style (leftmost placement, unchanged base first): chr13-51942438-C-CAA. GRCh37 (hg19) VCF-style: chr13-52516574-C-CAA.
Other names: c.3359_3360insTT (NM_000053.4); c.3181_3182dup, p.Leu1061fs (NM_001406524.1); c.3163_3164dup, p.Leu1055fs (NM_001406525.1); c.3358_3359dup, p.Leu1120fs (NM_001406526.1, NM_001406511.1, NM_001406512.1); c.3124_3125dup, p.Leu1042fs (NM_001406527.1, NM_001406528.1, NM_001406538.1 and 1 more transcripts); c.3118_3119dup, p.Leu1040fs (NM_001406530.1); c.3106_3107dup, p.Leu1036fs (NM_001406531.1, NM_001406532.1, NM_001330579.2); c.3070_3071dup, p.Leu1024fs (NM_001406534.1); and 20 more; short protein forms L1004fs, L1007fs, L1009fs, L1010fs, L1024fs, L1036fs, L1040fs, L1042fs.
Identifiers: ClinVar variation 4852553 (VCV004852553.1).

ClinVar aggregate classification (germline): Pathogenic (1 of 4 stars; one submission).

Conditions:
Wilson disease (WND). Also called: Wilson's disease. Identifiers: Orphanet 905, MedGen C0019202, MONDO:0010200, OMIM 277900. Disease mechanism: loss of function.

Submission:

Chongqing Key Laboratory of Child Rare Diseases in Infection and Immunity, Children’s Hospital of Chongqing Medical University
Classification: Pathogenic for Wilson disease. Last evaluated: 2024-01-01. Review status: criteria provided, single submitter. Criteria: ACMG Guidelines, 2015. Collection method: clinical testing. Allele origin: germline. Inheritance: Autosomal recessive inheritance. Affected: yes.
Comment: Classified as Pathogenic according to the ACMG/AMP 2015 guidelines (PMID:25741868). The classification was based on the available submitted evidence for Wilson disease (OMIM:277900), including clinical-testing observations, variant consequence/protein annotation, and published or ClinVar evidence where available. Supporting information considered: variant annotation: p.Leu1120fs; Frameshift; Protein domain: N-domain-enriched; submitted notation: NM_000053.4:c.3359_3360insTT (p.Leu1120fs); source variant type: Frameshift; source domain: N-domain-enriched; allele count n=230: 1.